The following is an entry in ClinVar:

NM_015627.3(LDLRAP1):c.616+5G>T

Gene: LDLRAP1 (low density lipoprotein receptor adaptor protein 1; plus strand). Cytogenetic location: 1p36.11.
Variant type: single nucleotide variant.
Coding change: c.616+5G>T on transcript NM_015627.3 (MANE Select); 5 bases into the intron after coding-DNA position 616, G replaced by T.
Molecular consequence: intron variant.
Genome position (GRCh38, 1-based): chr1:25,563,158, G>T. VCF-style: chr1-25563158-G-T. GRCh37 (hg19) VCF-style: chr1-25889649-G-T.
Identifiers: ClinVar variation 3866824 (VCV003866824.1).

ClinVar aggregate classification (germline): Uncertain significance (1 of 4 stars; one submission).

Conditions:
Cardiovascular phenotype. Identifiers: MedGen CN230736.

Submission:

Ambry Genetics
Classification: Uncertain significance for Cardiovascular phenotype. Last evaluated: 2024-12-20. Review status: criteria provided, single submitter. Criteria: Ambry Variant Classification Scheme 2023. Collection method: clinical testing. Allele origin: germline.
Comment: The c.616+5G>T intronic variant results from a G to T substitution 5 nucleotides after coding exon 6 in the LDLRAP1 gene. This nucleotide position is highly conserved in available vertebrate species. In silico splice site analysis predicts that this alteration will weaken the native splice donor site. Based on the available evidence, the clinical significance of this variant remains unclear.